The following is an entry in ClinVar:

NM_018706.7(DHTKD1):c.57C>T (p.Leu19=)

Gene: DHTKD1 (dehydrogenase E1 and transketolase domain containing 1; plus strand). Cytogenetic location: 10p14.
Variant type: single nucleotide variant.
Coding change: c.57C>T on transcript NM_018706.7 (MANE Select); coding-DNA position 57, C replaced by T.
Protein change: p.Leu19=; no amino-acid change (leucine 19 retained).
Molecular consequence: synonymous variant.
Genome position (GRCh38, 1-based): chr10:12,069,090, C>T. VCF-style: chr10-12069090-C-T. GRCh37 (hg19) VCF-style: chr10-12111089-C-T.
Identifiers: ClinVar variation 3030141 (VCV003030141.2), dbSNP rs770035289, ClinGen allele CA5407424.
Genomic context (GRCh38, chr10:12,069,090, plus strand): 5'-GAACATGGCCTCTGCTACTGCGGCAGCAGCACGACGGGGCCTCGGCCGGGCTCTCCCTCT[C>T]TTCTGGCGTGGCTACCAGACCGAGCGGGGCGTTTACGGCTACCGGCCGAGGAAGCCCGAG-3'
Protein context (NP_061176.4, residues 9-29): ARRGLGRALP[Leu19=]FWRGYQTERG

ClinVar aggregate classification (germline): Likely benign (0 of 4 stars; one submission).

Conditions:
DHTKD1-related disorder. Also called: DHTKD1-related condition.

Allele frequency attached by ClinVar (database versions not stated): gnomAD exomes below 0.00001; ExAC 0.00001; gnomAD 0.00001; TOPMed 0.00001.
gnomAD v4.1: 7 of 1,612,660 alleles (0.00043%); highest among the groups gnomAD compares: Non-Finnish European, 0.00059%; no homozygotes.

Submission:

PreventionGenetics, part of Exact Sciences
Classification: Likely benign for DHTKD1-related condition. Last evaluated: 2020-12-08. Review status: no assertion criteria provided. Collection method: clinical testing. Allele origin: germline.
Comment: This variant is classified as likely benign based on ACMG/AMP sequence variant interpretation guidelines (Richards et al. 2015 PMID: 25741868, with internal and published modifications).